The following is an entry in ClinVar:

NM_001365902.3(NFIX):c.1395A>G (p.Pro465=)

Gene: NFIX (nuclear factor I X; plus strand). Cytogenetic location: 19p13.13.
Variant type: single nucleotide variant.
Coding change: c.1395A>G on transcript NM_001365902.3 (MANE Select); coding-DNA position 1395, A replaced by G.
Protein change: p.Pro465=; no amino-acid change (proline 465 retained).
Molecular consequence: synonymous variant. On other transcripts: intron variant (6).
Genome position (GRCh38, 1-based): chr19:13,088,129, A>G. VCF-style: chr19-13088129-A-G. GRCh37 (hg19) VCF-style: chr19-13198943-A-G.
Other names: c.1419A>G, p.Pro473= (NM_001271043.2); c.1392A>G, p.Pro464= (NM_001365984.2); c.1371A>G, p.Pro457= (NM_001378404.1); c.1443A>G, p.Pro481= (NM_001378405.1); c.1248A>G, p.Pro416= (NM_001440616.1); c.1255-2170A>G (NM_002501.4); c.1132-2170A>G (NM_001365982.2); c.1231-2170A>G (NM_001271044.3); and 3 more.
Identifiers: ClinVar variation 4822058 (VCV004822058.4).

ClinVar aggregate classification (germline): Likely benign (1 of 4 stars; one submission).

gnomAD v4.1: 8 of 1,536,454 alleles (0.00052%); highest among the groups gnomAD compares: East Asian, 0.0073%; no homozygotes.

Submission:

CeGaT Center for Human Genetics Tuebingen
Classification: Likely benign. Last evaluated: 2026-02-01. Review status: criteria provided, single submitter. Criteria: CeGaT Center For Human Genetics Tuebingen Variant Classification Criteria Version 2. Collection method: clinical testing. Allele origin: germline. Affected: yes. Observed: 1 variant allele.
Comment: NFIX: BP4, BP7